The following is an entry in ClinVar:

NM_001111125.3(IQSEC2):c.4225C>T (p.Arg1409Trp)

Gene: IQSEC2 (IQ motif and Sec7 domain ArfGEF 2; minus strand). Cytogenetic location: Xp11.22.
Variant type: single nucleotide variant.
Coding change: c.4225C>T on transcript NM_001111125.3 (MANE Select); coding-DNA position 4225, C replaced by T.
Protein change: p.Arg1409Trp; replaces arginine 1409 with tryptophan.
Molecular consequence: missense variant. On other transcripts: 3 prime UTR variant (4), intron variant (2).
Genome position (GRCh38, 1-based): chrX:53,234,461, G>A on the plus strand (C>T on the coding strand, the complement: IQSEC2 is on the minus strand). VCF-style: chrX-53234461-G-A. GRCh37 (hg19) VCF-style: chrX-53263643-G-A.
Other names: c.*710C>T (NM_001410736.1, NM_001441093.1, NM_001441094.1 and 1 more transcripts); c.3451+1861C>T (NM_001441092.1); c.2740+1861C>T (NM_001441095.1); short protein forms R1409W.
Identifiers: ClinVar variation 4767827 (VCV004767827.1).

ClinVar aggregate classification (germline): Uncertain significance (1 of 4 stars; one submission).

Conditions:
Intellectual developmental disorder, X-linked 1. Also called: Atkin Flaitz Patil Smith syndrome; MENTAL RETARDATION, X-LINKED 18; MENTAL RETARDATION, X-LINKED 78; Intellectual disability, X-linked 1. Identifiers: Orphanet 777, MedGen C2931498, MONDO:0010656, OMIM 309530.

gnomAD v4.1: 1 of 1,082,176 alleles (0.000092%); highest among the groups gnomAD compares: East Asian, 0.0035%; no homozygotes.

Submission:

Labcorp Genetics (formerly Invitae), Labcorp
Classification: Uncertain significance for Intellectual developmental disorder, X-linked 1. Last evaluated: 2025-05-27. Review status: criteria provided, single submitter. Criteria: Invitae Variant Classification Sherloc (09022015). Collection method: clinical testing. Allele origin: germline.
Comment: This sequence change replaces arginine, which is basic and polar, with tryptophan, which is neutral and slightly polar, at codon 1409 of the IQSEC2 protein (p.Arg1409Trp). This variant is not present in population databases (gnomAD no frequency). This variant has not been reported in the literature in individuals affected with IQSEC2-related conditions. Invitae Evidence Modeling of protein sequence and biophysical properties (such as structural, functional, and spatial information, amino acid conservation, physicochemical variation, residue mobility, and thermodynamic stability) indicates that this missense variant is not expected to disrupt IQSEC2 protein function with a negative predictive value of 95%. In summary, the available evidence is currently insufficient to determine the role of this variant in disease. Therefore, it has been classified as a Variant of Uncertain Significance.